The following is an entry in ClinVar:

ClinVar aggregate classification (germline): Uncertain significance (1 of 4 stars; one submission).

Conditions:
Myofibromatosis, infantile, 2. Identifiers: Orphanet 2591, MedGen C3809084, MONDO:0014122, OMIM 615293.

Allele frequency attached by ClinVar (database versions not stated): gnomAD exomes below 0.00001.
gnomAD v4.1: 1 of 1,610,508 alleles (0.000062%); highest among the groups gnomAD compares: Non-Finnish European, 0.000085%; no homozygotes.

Submission:

Baylor Genetics
Classification: Uncertain significance for Myofibromatosis, infantile, 2. Last evaluated: 2018-01-02. Review status: criteria provided, single submitter. Criteria: ACMG Guidelines, 2015. Collection method: clinical testing. Allele origin: unknown. Affected: yes.
Comment: This variant was determined to be of uncertain significance according to ACMG Guidelines, 2015 [PMID:25741868].

NM_000435.3(NOTCH3):c.5114+11T>G

Gene: NOTCH3 (notch receptor 3; minus strand). Cytogenetic location: 19p13.12.
Variant type: single nucleotide variant.
Coding change: c.5114+11T>G on transcript NM_000435.3 (MANE Select); 11 bases into the intron after coding-DNA position 5114, T replaced by G.
Molecular consequence: intron variant.
Genome position (GRCh38, 1-based): chr19:15,170,320, A>C on the plus strand (T>G on the coding strand, the complement: NOTCH3 is on the minus strand). VCF-style: chr19-15170320-A-C. GRCh37 (hg19) VCF-style: chr19-15281131-A-C.
Identifiers: ClinVar variation 1032359 (VCV001032359.1), dbSNP rs2046721049, ClinGen allele CA2324738722.